The following is an entry in ClinVar:

NM_001273.5(CHD4):c.2993A>T (p.Asn998Ile)

Gene: CHD4 (chromodomain helicase DNA binding protein 4; minus strand). Cytogenetic location: 12p13.31.
Variant type: single nucleotide variant.
Coding change: c.2993A>T on transcript NM_001273.5 (MANE Select); coding-DNA position 2993, A replaced by T.
Protein change: p.Asn998Ile; replaces asparagine 998 with isoleucine.
Molecular consequence: missense variant.
Genome position (GRCh38, 1-based): chr12:6,592,013, T>A on the plus strand (A>T on the coding strand, the complement: CHD4 is on the minus strand). VCF-style: chr12-6592013-T-A. GRCh37 (hg19) VCF-style: chr12-6701179-T-A.
Other names: c.2972A>T, p.Asn991Ile (NM_001297553.2); c.2954A>T, p.Asn985Ile (NM_001363606.2); short protein forms N985I, N991I, N998I.
Identifiers: ClinVar variation 2571624 (VCV002571624.2), dbSNP rs758014481, ClinGen allele CA383587093.

ClinVar aggregate classification (germline): Conflicting classifications of pathogenicity. Review status: criteria provided, conflicting classifications (1 of 4 stars). 2 submissions from 2 submitters: Likely pathogenic (1); Uncertain significance (1). Last evaluated 2026-10-29.

Conditions:
Basal encephalocele. Identifiers: Orphanet 268829, MedGen C4023176, MONDO:0017082, HP:0011817.
Sifrim-Hitz-Weiss syndrome (SIHIWES). Also called: SIFRIM-HITZ-WEISS MULTIPLE CONGENITAL ANOMALIES-MENTAL RETARDATION SYNDROME; CHD4 Neurodevelopmental Disorder. Identifiers: Orphanet 653712, MedGen C4310688, MONDO:0014946, OMIM 617159.

Submissions (2):

Clinical Genetics Laboratory, Skane University Hospital Lund
Classification: Likely pathogenic for Basal encephalocele. Last evaluated: 2026-10-29. Review status: criteria provided, single submitter. Criteria: ACMG Guidelines, 2015. Collection method: clinical testing. Allele origin: germline. Affected: yes.
Comment: CHD4 (NM_001273.5) c.2993A>T, p.(Asn998Ile) is a nucleotide substitution in exon 20 of 40, resulting in the amino acid change described above, which is predicted to have a deleterious effect on protein function. Haploinsufficiency is not an established disease mechanism for CHD4 variants, and the gene has a high Z-score. The CHD4 c.2993A>T variant has not been identified in the general population and is reported as a variant of uncertain significance (VUS) in the ClinVar database by HudsonAlpha Institute for Biotechnology (Accession: VCV002571624.1). HudsonAlpha Institute for Biotechnology has described a patient diagnosed with Sifrim-Hitz-Weiss syndrome in whom this variant occurred de novo. They have further demonstrated abnormal CHD4 methylation in the patient. This information is not yet available in ClinVar, but the submitter has informed us that their ClinVar entry will be updated accordingly. Based on the available evidence, the variant has been classified as Likely Pathogenic according to the ACMG/AMP guidelines, applying the criteria PS2, PM2, PP2, and PP3.

HudsonAlpha Institute for Biotechnology
Classification: Uncertain significance for Sifrim-Hitz-Weiss syndrome. Last evaluated: 2023-02-16. Review status: criteria provided, single submitter. Criteria: ACMG Guidelines, 2015. Collection method: research. Allele origin: de novo. Observed: 1 variant allele. Study: HudsonAlpha-AGHI-WGS.